The following is an entry in ClinVar:

ClinVar aggregate classification (germline): Uncertain significance. Review status: criteria provided, multiple submitters, no conflicts (2 of 4 stars). 2 submissions from 2 submitters: Uncertain significance (2). Last evaluated 2024-02-24.

Conditions:
Inborn genetic diseases. Identifiers: MedGen C0950123, MeSH D030342.

Allele frequency attached by ClinVar (database versions not stated): gnomAD exomes below 0.00001; gnomAD 0.00001; TOPMed 0.00001; ExAC 0.00003.
gnomAD v4.1: 7 of 1,613,942 alleles (0.00043%); highest among the groups gnomAD compares: East Asian, 0.011%; no homozygotes.

Submissions (2):

Labcorp Genetics (formerly Invitae), Labcorp
Classification: Uncertain significance. Last evaluated: 2024-02-24. Review status: criteria provided, single submitter. Criteria: Invitae Variant Classification Sherloc (09022015). Collection method: clinical testing. Allele origin: germline.
Comment: This sequence change replaces serine, which is neutral and polar, with proline, which is neutral and non-polar, at codon 448 of the MAK protein (p.Ser448Pro). This variant is present in population databases (rs769938480, gnomAD 0.03%). This variant has not been reported in the literature in individuals affected with MAK-related conditions. ClinVar contains an entry for this variant (Variation ID: 1968990). Advanced modeling of protein sequence and biophysical properties (such as structural, functional, and spatial information, amino acid conservation, physicochemical variation, residue mobility, and thermodynamic stability) performed at Invitae indicates that this missense variant is not expected to disrupt MAK protein function with a negative predictive value of 80%. In summary, the available evidence is currently insufficient to determine the role of this variant in disease. Therefore, it has been classified as a Variant of Uncertain Significance.

Ambry Genetics
Classification: Uncertain significance for Inborn genetic diseases. Last evaluated: 2023-05-31. Review status: criteria provided, single submitter. Criteria: Ambry Variant Classification Scheme 2023. Collection method: clinical testing. Allele origin: germline.

NM_001242957.3(MAK):c.1342T>C (p.Ser448Pro)

Gene: MAK (male germ cell associated kinase; minus strand). Cytogenetic location: 6p24.2.
Variant type: single nucleotide variant.
Coding change: c.1342T>C on transcript NM_001242957.3 (MANE Select); coding-DNA position 1342, T replaced by C.
Protein change: p.Ser448Pro; replaces serine 448 with proline.
Molecular consequence: missense variant. On other transcripts: non-coding transcript variant (2).
Genome position (GRCh38, 1-based): chr6:10,784,547, A>G on the plus strand (T>C on the coding strand, the complement: MAK is on the minus strand). VCF-style: chr6-10784547-A-G. GRCh37 (hg19) VCF-style: chr6-10784780-A-G.
Other names: c.1342T>C, p.Ser448Pro (NM_001242385.2, NM_005906.6); c.1240T>C, p.Ser414Pro (NM_001377262.1); c.1342T>C (NM_005906.4); short protein forms S414P, S448P.
Identifiers: ClinVar variation 1968990 (VCV001968990.5), dbSNP rs769938480, ClinGen allele CA3633457.